The following is an entry in ClinVar:

NM_002528.7(NTHL1):c.58G>A (p.Gly20Arg)

Gene: NTHL1 (nth like DNA glycosylase 1; minus strand). Cytogenetic location: 16p13.3.
Variant type: single nucleotide variant.
Coding change: c.58G>A on transcript NM_002528.7 (MANE Select); coding-DNA position 58, G replaced by A.
Protein change: p.Gly20Arg; replaces glycine 20 with arginine.
Molecular consequence: missense variant. On other transcripts: 5 prime UTR variant (1).
Genome position (GRCh38, 1-based): chr16:2,047,766, C>T on the plus strand (G>A on the coding strand, the complement: NTHL1 is on the minus strand). VCF-style: chr16-2047766-C-T. GRCh37 (hg19) VCF-style: chr16-2097767-C-T.
Other names: c.58G>A, p.Gly20Arg (NM_001318193.2, LRG_1366t1); c.-121G>A (NM_001318194.2); short protein forms G20R.
Identifiers: ClinVar variation 653277 (VCV000653277.14), dbSNP rs529997128, ClinGen allele CA394298460.

ClinVar aggregate classification (germline): Conflicting classifications of pathogenicity. Review status: criteria provided, conflicting classifications (1 of 4 stars). 3 submissions from 3 submitters: Uncertain significance (2); Likely benign (1). Last evaluated 2024-12-30.

Conditions:
Hereditary cancer-predisposing syndrome. Also called: Neoplastic Syndromes, Hereditary; Tumor predisposition; Hereditary Cancer Syndrome; Hereditary neoplastic syndrome. Identifiers: Orphanet 140162, MedGen C0027672, MeSH D009386, MONDO:0015356.

Allele frequency attached by ClinVar (database versions not stated): TOPMed below 0.00001; gnomAD 0.00001.
gnomAD v4.1: 4 of 1,587,444 alleles (0.00025%); highest among the groups gnomAD compares: Non-Finnish European, 0.00034%; no homozygotes.

Submissions (3):

Labcorp Genetics (formerly Invitae), Labcorp
Classification: Uncertain significance. Last evaluated: 2024-12-30. Review status: criteria provided, single submitter. Criteria: Invitae Variant Classification Sherloc (09022015). Collection method: clinical testing. Allele origin: germline.
Comment: This sequence change replaces glycine, which is neutral and non-polar, with arginine, which is basic and polar, at codon 28 of the NTHL1 protein (p.Gly28Arg). This variant is not present in population databases (gnomAD no frequency). This variant has not been reported in the literature in individuals affected with NTHL1-related conditions. ClinVar contains an entry for this variant (Variation ID: 653277). An algorithm developed to predict the effect of missense changes on protein structure and function outputs the following: PolyPhen-2: "Benign". The arginine amino acid residue is found in multiple mammalian species, which suggests that this missense change does not adversely affect protein function. In summary, the available evidence is currently insufficient to determine the role of this variant in disease. Therefore, it has been classified as a Variant of Uncertain Significance.

Ambry Genetics
Classification: Likely benign for Hereditary cancer-predisposing syndrome. Last evaluated: 2024-03-27. Review status: criteria provided, single submitter. Criteria: Ambry Variant Classification Scheme 2023. Collection method: clinical testing. Allele origin: germline.

Quest Diagnostics Nichols Institute San Juan Capistrano
Classification: Uncertain significance. Last evaluated: 2024-03-27. Review status: criteria provided, single submitter. Criteria: Quest Diagnostics criteria. Collection method: clinical testing. Allele origin: unknown.
Comment: The NTHL1 c.58G>A (p.Gly20Arg) variant has not been reported in individuals with NTHL1-related conditions in the published literature. The frequency of this variant in the general population, 0.0000066 (1/152250 chromosomes (Genome Aggregation Database)), is uninformative in the assessment of its pathogenicity. Analysis of this variant using bioinformatics tools for the prediction of the effect of amino acid changes on protein structure and function yielded predictions that this variant is benign. Based on the available information, we are unable to determine the clinical significance of this variant.